The following is an entry in ClinVar:

NM_014365.3(HSPB8):c.26C>T (p.Ser9Phe)

Gene: HSPB8 (heat shock protein family B (small) member 8; plus strand). Cytogenetic location: 12q24.23.
Variant type: single nucleotide variant.
Coding change: c.26C>T on transcript NM_014365.3 (MANE Select); coding-DNA position 26, C replaced by T.
Protein change: p.Ser9Phe; replaces serine 9 with phenylalanine.
Molecular consequence: missense variant.
Genome position (GRCh38, 1-based): chr12:119,179,338, C>T. VCF-style: chr12-119179338-C-T. GRCh37 (hg19) VCF-style: chr12-119617143-C-T.
Other names: short protein forms S9F.
Identifiers: ClinVar variation 2804231 (VCV002804231.3), dbSNP rs1400986742, ClinGen allele CA386523837.
Genomic context (GRCh38, chr12:119,179,338, plus strand): 5'-TGAGCCTCTGTTTCTCTCTGAGCTGAGCAGCCACCATGGCTGACGGTCAGATGCCCTTCT[C>T]CTGCCACTACCCAAGCCGCCTGCGCCGAGACCCCTTCCGGGACTCTCCCCTCTCCTCTCG-3'
Protein context (NP_055180.1, residues 1-19): MADGQMPF[Ser9Phe]CHYPSRLRRD

ClinVar aggregate classification (germline): Uncertain significance (1 of 4 stars; one submission).

Conditions:
Charcot-Marie-Tooth disease axonal type 2L. Also called: Charcot-Marie-Tooth Neuropathy Type 2L; CHARCOT-MARIE-TOOTH DISEASE, AXONAL, AUTOSOMAL DOMINANT, TYPE 2L; CHARCOT-MARIE-TOOTH NEUROPATHY, AXONAL, TYPE 2L. Identifiers: Orphanet 99945, MedGen C1837552, MONDO:0012096, OMIM 608673.

Allele frequency attached by ClinVar (database versions not stated): gnomAD exomes below 0.00001.
gnomAD v4.1: 1 of 1,614,078 alleles (0.000062%); highest among the groups gnomAD compares: South Asian, 0.0011%; no homozygotes.

Submission:

Labcorp Genetics (formerly Invitae), Labcorp
Classification: Uncertain significance for Charcot-Marie-Tooth disease axonal type 2L. Last evaluated: 2023-11-27. Review status: criteria provided, single submitter. Criteria: Invitae Variant Classification Sherloc (09022015). Collection method: clinical testing. Allele origin: germline.
Comment: This sequence change replaces serine, which is neutral and polar, with phenylalanine, which is neutral and non-polar, at codon 9 of the HSPB8 protein (p.Ser9Phe). This variant is present in population databases (no rsID available, gnomAD 0.003%). This variant has not been reported in the literature in individuals affected with HSPB8-related conditions. An algorithm developed to predict the effect of missense changes on protein structure and function (PolyPhen-2) suggests that this variant is likely to be tolerated. In summary, the available evidence is currently insufficient to determine the role of this variant in disease. Therefore, it has been classified as a Variant of Uncertain Significance.